The following is an entry in ClinVar:

NM_014844.5(TECPR2):c.715G>A (p.Gly239Arg)

Gene: TECPR2 (tectonin beta-propeller repeat containing 2; plus strand). Cytogenetic location: 14q32.31.
Variant type: single nucleotide variant.
Coding change: c.715G>A on transcript NM_014844.5 (MANE Select); coding-DNA position 715, G replaced by A.
Protein change: p.Gly239Arg; replaces glycine 239 with arginine.
Molecular consequence: missense variant.
Genome position (GRCh38, 1-based): chr14:102,425,055, G>A. VCF-style: chr14-102425055-G-A. GRCh37 (hg19) VCF-style: chr14-102891392-G-A.
Other names: c.715G>A, p.Gly239Arg (NM_001172631.3); short protein forms G239R.
Identifiers: ClinVar variation 863424 (VCV000863424.12), dbSNP rs750922939, ClinGen allele CA7357512.

ClinVar aggregate classification (germline): Uncertain significance. Review status: criteria provided, multiple submitters, no conflicts (2 of 4 stars). 5 submissions from 5 submitters: Uncertain significance (4). 1 of the submissions does not count toward it. Last evaluated 2022-09-13.

Conditions:
Hereditary spastic paraplegia 49 (HSAN9). Also called: Spastic paraplegia 49, autosomal recessive; TECPR2-Related Hereditary Sensory and Autonomic Neuropathy with Intellectual Disability; NEUROPATHY, HEREDITARY SENSORY AND AUTONOMIC, TYPE IX, WITH DEVELOPMENTAL DELAY. Identifiers: Orphanet 320385, MedGen C5190860, MONDO:0014016, OMIM 615031.

Allele frequency attached by ClinVar (database versions not stated): gnomAD exomes 0.00001 and 0.00006; gnomAD 0.00004; TOPMed 0.00004; ExAC 0.00008.
gnomAD v4.1: 24 of 1,614,056 alleles (0.0015%); highest among the groups gnomAD compares: East Asian, 0.022%; no homozygotes.

Submissions (5):

Greenwood Genetic Center Diagnostic Laboratories, Greenwood Genetic Center
Classification: Uncertain significance. Last evaluated: 2022-09-13. Review status: criteria provided, single submitter. Criteria: ACMG Guidelines, 2015. Collection method: clinical testing. Allele origin: germline. Affected: yes.
Comment: PM2, PP3

Labcorp Genetics (formerly Invitae), Labcorp
Classification: Uncertain significance for Hereditary spastic paraplegia 49. Last evaluated: 2022-03-11. Review status: criteria provided, single submitter. Criteria: Invitae Variant Classification Sherloc (09022015). Collection method: clinical testing. Allele origin: germline.
Comment: This sequence change replaces glycine, which is neutral and non-polar, with arginine, which is basic and polar, at codon 239 of the TECPR2 protein (p.Gly239Arg). This variant is present in population databases (rs750922939, gnomAD 0.07%). This missense change has been observed in individual(s) with clinical features of hereditary spastic paraplegia (PMID: 33847017). ClinVar contains an entry for this variant (Variation ID: 863424). Algorithms developed to predict the effect of missense changes on protein structure and function are either unavailable or do not agree on the potential impact of this missense change (SIFT: "Deleterious"; PolyPhen-2: "Probably Damaging"; Align-GVGD: "Class C0"). Algorithms developed to predict the effect of sequence changes on RNA splicing suggest that this variant may create or strengthen a splice site. In summary, the available evidence is currently insufficient to determine the role of this variant in disease. Therefore, it has been classified as a Variant of Uncertain Significance.

Fulgent Genetics
Classification: Uncertain significance for Hereditary spastic paraplegia 49. Last evaluated: 2021-07-22. Review status: criteria provided, single submitter. Criteria: ACMG Guidelines, 2015. Collection method: clinical testing. Allele origin: unknown.

Institute of Human Genetics, University of Leipzig Medical Center
Classification: Uncertain significance for Hereditary spastic paraplegia 49. Last evaluated: 2020-06-27. Review status: criteria provided, single submitter. Criteria: ACMG Guidelines, 2015. Collection method: research. Allele origin: paternal. Inheritance: Autosomal recessive inheritance. Affected: yes. Observed: 1 compound heterozygote.
Comment: The variant is paternally inherited. This missense variant c.715G>A, p.(Gly239Arg) in exon 6/20 of the TECPR2 has not been reported in public mutation databases or in the literature. In the general population the minor allele frequency is 0.00007424 (gnomAD). Biallelic truncating or missense variants have been described to cause "Spastic paraplegia 49, autosomal recessive" (Oz-Levi et al. Am J Hum Genet. 2012, PMID: 23176824). Multiple in silico-tools predict this variant as damaging. Two splicing predicition tools indicate a possible new splice site (SpliceSiteFinder-like, MaxEntScan). Taken together, we classify this variant as of unknown significance based on the ACMG recommendations (Richards et al., 2015, PMID 25741868; criteria: PM2 PP3).

Natera, Inc.
Classification: Uncertain significance for Autosomal recessive spastic paraplegia type 49. Last evaluated: 2020-01-24. Review status: no assertion criteria provided. Collection method: clinical testing. Allele origin: germline. Not counted in ClinVar's aggregate classification.

Literature cited by the submitters: PubMed 33847017 (cited by Labcorp Genetics (formerly Invitae), Labcorp).